The following is an entry in ClinVar:

NM_021830.5(TWNK):c.247C>T (p.Pro83Ser)

Gene: TWNK (twinkle mtDNA helicase; plus strand). Cytogenetic location: 10q24.31.
Variant type: single nucleotide variant.
Coding change: c.247C>T on transcript NM_021830.5 (MANE Select); coding-DNA position 247, C replaced by T.
Protein change: p.Pro83Ser; replaces proline 83 with serine.
Molecular consequence: missense variant. On other transcripts: non-coding transcript variant (4), intron variant (3).
Genome position (GRCh38, 1-based): chr10:100,988,457, C>T. VCF-style: chr10-100988457-C-T. GRCh37 (hg19) VCF-style: chr10-102748214-C-T.
Other names: c.247C>T, p.Pro83Ser (NM_001163812.2); c.-120+844C>T (NM_001163814.2, NM_001163813.2); c.-58+844C>T (NM_001368275.1); short protein forms P83S.
Identifiers: ClinVar variation 56728 (VCV000056728.3), dbSNP rs386834147, ClinGen allele CA264204.
Genomic context (GRCh38, chr10:100,988,457, plus strand): 5'-TATTTGCGGGGGCATGGGATCCCCTTCCAGGATGGTCACAGTTGCCTGCGGGCACTGAGC[C>T]CCTTTGCAGAGTCTTCACAGCTCAAAGGCCAGACTGGTGTTACCACTTCCTTCAGCCTCT-3'
Protein context (NP_068602.2, residues 73-93): DGHSCLRALS[Pro83Ser]FAESSQLKGQ

ClinVar aggregate classification (germline): Uncertain significance. Review status: criteria provided, single submitter (1 of 4 stars). 2 submissions from 2 submitters: Uncertain significance (1). 1 of the submissions does not count toward it. Last evaluated 2017-01-03.

Conditions:
Infantile onset spinocerebellar ataxia (MTDPS7). Also called: OHAHA SYNDROME; SPINOCEREBELLAR ATAXIA, INFANTILE, WITH SENSORY NEUROPATHY; OPHTHALMOPLEGIA, HYPOTONIA, ATAXIA, HYPOACUSIS, AND ATHETOSIS; Mitochondrial DNA depletion syndrome 7 (hepatocerebral type). Identifiers: Orphanet 1186, MedGen C1849096, MONDO:0010060, OMIM 271245.

Allele frequency attached by ClinVar (database versions not stated): TOPMed 0.00001.

Submissions (2):

GeneDx
Classification: Uncertain significance. Last evaluated: 2017-01-03. Review status: criteria provided, single submitter. Criteria: GeneDx Variant Classification (06012015). Collection method: clinical testing. Allele origin: germline. Affected: yes.
Comment: The P83S variant in the C10orf2 gene has been reported previously in an affected individual with a neurodegenerative disorder suggestive of infantile-onset spinocerebellar ataxia who was compound heterozygous for the P83S variant and another missense variant (Hartley et al., 2012). The P83S variant was not observed in approximately 6,500 individuals of European and African American ancestry in the NHLBI Exome Sequencing Project, indicating it is not a common benign variant in these populations. The P83S variant is a non-conservative amino acid substitution, which is likely to impact secondary protein structure as these residues differ in polarity, charge, size and/or other properties. This substitution occurs at a position that is conserved in mammals. In silico analysis is inconsistent in its predictions as to whether or not the variant is damaging to the protein structure/function. We interpret P83S as a variant of uncertain significance.

Juha Muilu Group; Institute for Molecular Medicine Finland (FIMM)
Classification: Likely pathogenic for Spinocerebellar ataxia, infantile-onset. Review status: no assertion criteria provided. Collection method: not provided. Allele origin: unknown. Not counted in ClinVar's aggregate classification.
Comment: FinDis database variant: This variant was not found or characterized by our laboratory, data were collected from public sources: see reference
ClinVar note: Converted during submission from probable-pathogenic to Likely pathogenic.